The following is an entry in ClinVar:

NM_006440.5(TXNRD2):c.1436T>C (p.Leu479Pro)

Gene: TXNRD2 (thioredoxin reductase 2; minus strand). Cytogenetic location: 22q11.21.
Variant type: single nucleotide variant.
Coding change: c.1436T>C on transcript NM_006440.5 (MANE Select); coding-DNA position 1436, T replaced by C.
Protein change: p.Leu479Pro; replaces leucine 479 with proline.
Molecular consequence: missense variant. On other transcripts: non-coding transcript variant (1).
Genome position (GRCh38, 1-based): chr22:19,878,099, A>G on the plus strand (T>C on the coding strand, the complement: TXNRD2 is on the minus strand). VCF-style: chr22-19878099-A-G. GRCh37 (hg19) VCF-style: chr22-19865622-A-G.
Other names: c.1433T>C, p.Leu478Pro (NM_001352300.2); c.1346T>C, p.Leu449Pro (NM_001352301.2); c.1148T>C, p.Leu383Pro (NM_001352302.2); c.1436T>C (NM_006440.3); short protein forms L479P, L383P, L478P, L449P.
Identifiers: ClinVar variation 454280 (VCV000454280.10), dbSNP rs756559860, ClinGen allele CA10103658.
Genomic context (GRCh38, chr22:19,878,099, plus strand): 5'-AGGGATACCCAGCTGCACATCGCATCGCAGCCTGCATTCCTCGGGACTTACTTGATCCCC[A>G]GAGCAAATCCTTGAGTAACTTCGCCTGCGTTGGGGCCAAGGAAATGCAGGCCCAGCACCA-3'
Protein context (NP_006431.2, residues 469-489): NAGEVTQGFA[Leu479Pro]GIKCGASYAQ

ClinVar aggregate classification (germline): Uncertain significance. Review status: criteria provided, multiple submitters, no conflicts (2 of 4 stars). 2 submissions from 2 submitters: Uncertain significance (2). Last evaluated 2026-01-13.

Conditions:
Cardiovascular phenotype. Identifiers: MedGen CN230736.
Primary dilated cardiomyopathy (DCM). Also called: Dilated Cardiomyopathy. Identifiers: Orphanet 217604, MedGen C0007193, MeSH D002311, MONDO:0005021, HP:0001644. Inheritance: Various modes of inheritance.

Allele frequency attached by ClinVar (database versions not stated): ExAC 0.00002; gnomAD exomes 0.00002 and 0.00005; TOPMed 0.00002; gnomAD 0.00003 and 0.00004.
gnomAD v4.1: 70 of 1,613,356 alleles (0.0043%); highest among the groups gnomAD compares: Non-Finnish European, 0.0059%; no homozygotes.

Submissions (2):

Labcorp Genetics (formerly Invitae), Labcorp
Classification: Uncertain significance for Primary dilated cardiomyopathy. Last evaluated: 2026-01-13. Review status: criteria provided, single submitter. Criteria: Invitae Variant Classification Sherloc (09022015). Collection method: clinical testing. Allele origin: germline.
Comment: This sequence change replaces leucine, which is neutral and non-polar, with proline, which is neutral and non-polar, at codon 479 of the TXNRD2 protein (p.Leu479Pro). This variant is present in population databases (rs756559860, gnomAD 0.004%). This variant has not been reported in the literature in individuals affected with TXNRD2-related conditions. ClinVar contains an entry for this variant (Variation ID: 454280). Invitae Evidence Modeling of protein sequence and biophysical properties (such as structural, functional, and spatial information, amino acid conservation, physicochemical variation, residue mobility, and thermodynamic stability) indicates that this missense variant is not expected to disrupt TXNRD2 protein function with a negative predictive value of 80%. In summary, the available evidence is currently insufficient to determine the role of this variant in disease. Therefore, it has been classified as a Variant of Uncertain Significance.

Ambry Genetics
Classification: Uncertain significance for Cardiovascular phenotype. Last evaluated: 2025-10-05. Review status: criteria provided, single submitter. Criteria: Ambry Variant Classification Scheme 2023. Collection method: clinical testing. Allele origin: germline.
Comment: The p.L479P variant (also known as c.1436T>C), located in coding exon 16 of the TXNRD2 gene, results from a T to C substitution at nucleotide position 1436. The leucine at codon 479 is replaced by proline, an amino acid with similar properties. This amino acid position is well conserved in available vertebrate species. In addition, this alteration is predicted to be deleterious by in silico analysis. The evidence for this gene-disease relationship is limited; therefore, the clinical significance of this alteration is unclear.